The following is an entry in ClinVar:

NM_000298.6(PKLR):c.507G>A (p.Gly169=)

Gene: PKLR (pyruvate kinase L/R; minus strand). Cytogenetic location: 1q22.
Variant type: single nucleotide variant.
Coding change: c.507G>A on transcript NM_000298.6 (MANE Select); coding-DNA position 507, G replaced by A.
Protein change: p.Gly169=; no amino-acid change (glycine 169 retained).
Molecular consequence: synonymous variant.
Genome position (GRCh38, 1-based): chr1:155,295,437, C>T on the plus strand (G>A on the coding strand, the complement: PKLR is on the minus strand). VCF-style: chr1-155295437-C-T. GRCh37 (hg19) VCF-style: chr1-155265228-C-T.
Other names: p.Gly169=; c.507G>A, p.Gly169= (LRG_1136t1); c.414G>A, p.Gly138= (NM_181871.4).
Identifiers: ClinVar variation 631568 (VCV000631568.16), dbSNP rs201674983, ClinGen allele CA1144323.

ClinVar aggregate classification (germline): Conflicting classifications of pathogenicity. Review status: criteria provided, conflicting classifications (1 of 4 stars). 4 submissions from 4 submitters: Uncertain significance (3); Likely benign (1). Last evaluated 2025-06-04.

Conditions:
PKLR-related disorder. Also called: PKLR-related condition.

Allele frequency attached by ClinVar (database versions not stated): TOPMed 0.00014; ESP Exome Variant Server 0.00015; gnomAD exomes 0.00017 and 0.00039; gnomAD 0.00021 and 0.00022; ExAC 0.00024.

Submissions (5):

PreventionGenetics, part of Exact Sciences
Classification: Likely benign for PKLR-related condition. Last evaluated: 2025-06-04. Review status: criteria provided, single submitter. Criteria: ACMG Guidelines, 2015. Collection method: clinical testing. Allele origin: germline.
Comment: This variant is classified as likely benign based on ACMG/AMP sequence variant interpretation guidelines (Richards et al. 2015 PMID: 25741868, with internal and published modifications).

Mayo Clinic Laboratories, Mayo Clinic
Classification: Uncertain significance. Last evaluated: 2023-08-02. Review status: criteria provided, single submitter. Criteria: ACMG Guidelines, 2015. Collection method: clinical testing. Allele origin: germline. Observed: 1 variant allele.
Comment: PM3

Revvity Omics, Revvity
Classification: Uncertain significance. Last evaluated: 2022-07-07. Review status: criteria provided, single submitter. Criteria: ACMG Guidelines, 2015. Collection method: clinical testing. Allele origin: germline.

ARUP Laboratories, Molecular Genetics and Genomics, ARUP Laboratories
Classification: Uncertain significance. Last evaluated: 2020-08-31. Review status: criteria provided, single submitter. Criteria: ARUP Molecular Germline Variant Investigation Process. Collection method: clinical testing. Allele origin: germline.

Dr. Peter K. Rogan Lab, Western University
No classification provided (evidence only). Condition: Hepatocellular carcinoma. Review status: no classification provided. Collection method: in vitro. Allele origin: not applicable. Functional consequence: skipped exon. Not counted in ClinVar's aggregate classification.

Literature cited by the submitters: PubMed 15953013 (cited by Mayo Clinic Laboratories, Mayo Clinic); PubMed 17360088 (cited by Mayo Clinic Laboratories, Mayo Clinic); PubMed 26832193 (cited by Mayo Clinic Laboratories, Mayo Clinic); PubMed 33054047 (cited by Mayo Clinic Laboratories, Mayo Clinic).